The following is an entry in ClinVar:

ClinVar aggregate classification (germline): Likely benign. Review status: criteria provided, multiple submitters, no conflicts (2 of 4 stars). 2 submissions from 2 submitters: Likely benign (2). Last evaluated 2024-02-17.

Conditions:
Supravalvar aortic stenosis (SVAS). Also called: Supravalvar aortic stenosis, Eisenberg type. Identifiers: Orphanet 3193, MedGen C0003499, MONDO:0008504, OMIM 185500, HP:0004381.

Allele frequency attached by ClinVar (database versions not stated): gnomAD exomes 0.00001 and 0.00003; ExAC 0.00002; gnomAD 0.00002; TOPMed 0.00002.
gnomAD v4.1: 41 of 1,614,026 alleles (0.0025%); highest among the groups gnomAD compares: Non-Finnish European, 0.0034%; no homozygotes.

Submissions (2):

Labcorp Genetics (formerly Invitae), Labcorp
Classification: Likely benign for Supravalvar aortic stenosis. Last evaluated: 2024-02-17. Review status: criteria provided, single submitter. Criteria: Invitae Variant Classification Sherloc (09022015). Collection method: clinical testing. Allele origin: germline.

GeneDx
Classification: Likely benign. Last evaluated: 2018-04-26. Review status: criteria provided, single submitter. Criteria: GeneDx Variant Classification (06012015). Collection method: clinical testing. Allele origin: germline. Affected: yes.
Comment: This variant is considered likely benign or benign based on one or more of the following criteria: it is a conservative change, it occurs at a poorly conserved position in the protein, it is predicted to be benign by multiple in silico algorithms, and/or has population frequency not consistent with disease.

NM_000501.4(ELN):c.1622-14C>T

Genes: ELN-AS1 (ELN antisense RNA 1; minus strand), ELN (elastin; plus strand). Cytogenetic location: 7q11.23.
Variant type: single nucleotide variant.
Coding change: c.1622-14C>T on transcript NM_000501.4 (MANE Select); 14 bases into the intron before coding-DNA position 1622, C replaced by T.
Molecular consequence: intron variant.
Genome position (GRCh38, 1-based): chr7:74,060,362, C>T. VCF-style: chr7-74060362-C-T. GRCh37 (hg19) VCF-style: chr7-73474692-C-T.
Other names: c.1637-14C>T (NM_001081754.3); c.1580-14C>T (NM_001081753.3); c.1709-14C>T (NM_001278939.2); c.1640-14C>T (NM_001278915.2); c.1622-14C>T (NM_001278912.2); c.1565-14C>T (NM_001081755.3); c.1478-14C>T (NM_001278916.2); c.1379-14C>T (NM_001278913.2); and 4 more.
Identifiers: ClinVar variation 679060 (VCV000679060.6), dbSNP rs782637446, ClinGen allele CA4293144.